The following is an entry in ClinVar:

NM_198252.3(GSN):c.131A>G (p.Tyr44Cys)

Gene: GSN (gelsolin; plus strand). Cytogenetic location: 9q33.2.
Variant type: single nucleotide variant.
Coding change: c.131A>G on transcript NM_198252.3 (MANE Select); coding-DNA position 131, A replaced by G.
Protein change: p.Tyr44Cys; replaces tyrosine 44 with cysteine.
Molecular consequence: missense variant. On other transcripts: intron variant (1).
Genome position (GRCh38, 1-based): chr9:121,302,102, A>G. VCF-style: chr9-121302102-A-G. GRCh37 (hg19) VCF-style: chr9-124064380-A-G.
Other names: c.284A>G, p.Tyr95Cys (NM_000177.5); c.131A>G, p.Tyr44Cys (NM_001127662.2, NM_001127664.2, NM_001127665.2 and 10 more transcripts); c.239A>G, p.Tyr80Cys (NM_001127663.2); c.164A>G, p.Tyr55Cys (NM_001127666.2, NM_001127667.2, NM_001353063.2 and 13 more transcripts); c.182A>G, p.Tyr61Cys (NM_001258029.2); c.155A>G, p.Tyr52Cys (NM_001258030.2); c.203A>G, p.Tyr68Cys (NM_001353076.2); c.-458-809A>G (NM_001353078.2); short protein forms Y68C, Y80C, Y95C, Y52C, Y55C, Y44C, Y61C.
Identifiers: ClinVar variation 2617650 (VCV002617650.3), dbSNP rs1399829665, ClinGen allele CA374732163.

ClinVar aggregate classification (germline): Uncertain significance. Review status: criteria provided, multiple submitters, no conflicts (2 of 4 stars). 2 submissions from 2 submitters: Uncertain significance (2). Last evaluated 2025-07-16.

Conditions:
Inborn genetic diseases. Identifiers: MedGen C0950123, MeSH D030342.

gnomAD v4.1: 10 of 1,614,208 alleles (0.00062%); highest among the groups gnomAD compares: East Asian, 0.0022%; no homozygotes.

Submissions (2):

Labcorp Genetics (formerly Invitae), Labcorp
Classification: Uncertain significance. Last evaluated: 2025-07-16. Review status: criteria provided, single submitter. Criteria: Invitae Variant Classification Sherloc (09022015). Collection method: clinical testing. Allele origin: germline.
Comment: This sequence change replaces tyrosine, which is neutral and polar, with cysteine, which is neutral and slightly polar, at codon 95 of the GSN protein (p.Tyr95Cys). This variant is not present in population databases (gnomAD no frequency). This variant has not been reported in the literature in individuals affected with GSN-related conditions. ClinVar contains an entry for this variant (Variation ID: 2617650). An algorithm developed to predict the effect of missense changes on protein structure and function (PolyPhen-2) suggests that this variant is likely to be disruptive. In summary, the available evidence is currently insufficient to determine the role of this variant in disease. Therefore, it has been classified as a Variant of Uncertain Significance.

Ambry Genetics
Classification: Uncertain significance for Inborn genetic diseases. Last evaluated: 2023-08-09. Review status: criteria provided, single submitter. Criteria: Ambry Variant Classification Scheme 2023. Collection method: clinical testing. Allele origin: germline.